The following is an entry in ClinVar:

NM_007215.4(POLG2):c.451G>A (p.Glu151Lys)

Genes: MILR1 (mast cell immunoglobulin like receptor 1; plus strand), POLG2 (DNA polymerase gamma 2, accessory subunit; minus strand). Cytogenetic location: 17q23.3.
Variant type: single nucleotide variant.
Coding change: c.451G>A on transcript NM_007215.4 (MANE Select); coding-DNA position 451, G replaced by A.
Protein change: p.Glu151Lys; replaces glutamic acid 151 with lysine.
Molecular consequence: missense variant.
Genome position (GRCh38, 1-based): chr17:64,496,518, C>T on the plus strand (G>A on the coding strand, the complement: POLG2 is on the minus strand). VCF-style: chr17-64496518-C-T. GRCh37 (hg19) VCF-style: chr17-62492636-C-T.
Other names: short protein forms E151K.
Identifiers: ClinVar variation 3652114 (VCV003652114.2).

ClinVar aggregate classification (germline): Uncertain significance (1 of 4 stars; one submission).

gnomAD v4.1: 1 of 1,613,674 alleles (0.000062%); highest among the groups gnomAD compares: South Asian, 0.0011%; no homozygotes.

Submission:

Labcorp Genetics (formerly Invitae), Labcorp
Classification: Uncertain significance. Last evaluated: 2024-05-04. Review status: criteria provided, single submitter. Criteria: Invitae Variant Classification Sherloc (09022015). Collection method: clinical testing. Allele origin: germline.
Comment: This sequence change replaces glutamic acid, which is acidic and polar, with lysine, which is basic and polar, at codon 151 of the POLG2 protein (p.Glu151Lys). This variant is not present in population databases (gnomAD no frequency). This variant has not been reported in the literature in individuals affected with POLG2-related conditions. An algorithm developed to predict the effect of missense changes on protein structure and function (PolyPhen-2) suggests that this variant is likely to be tolerated. In summary, the available evidence is currently insufficient to determine the role of this variant in disease. Therefore, it has been classified as a Variant of Uncertain Significance.